The following is an entry in ClinVar:

NM_152703.5(SAMD9L):c.1033G>T (p.Glu345Ter)

Gene: SAMD9L (sterile alpha motif domain containing 9 like; minus strand). Cytogenetic location: 7q21.2.
Variant type: single nucleotide variant.
Coding change: c.1033G>T on transcript NM_152703.5 (MANE Select); coding-DNA position 1033, G replaced by T.
Protein change: p.Glu345Ter; replaces glutamic acid 345 with a stop codon.
Molecular consequence: nonsense.
Genome position (GRCh38, 1-based): chr7:93,134,939, C>A on the plus strand (G>T on the coding strand, the complement: SAMD9L is on the minus strand). VCF-style: chr7-93134939-C-A. GRCh37 (hg19) VCF-style: chr7-92764252-C-A.
Other names: c.1033G>T, p.Glu345Ter (NM_001303496.3, NM_001303497.3, NM_001303498.3 and 5 more transcripts); short protein forms E345*.
Identifiers: ClinVar variation 4778185 (VCV004778185.1).
Genomic context (GRCh38, chr7:93,134,939, plus strand): 5'-CCTTGAAATCTACATCCCGTTGCTTGGAATTGGCCAGGATATCCCTAGAGCTAGCCCCTT[C>A]TCTTACAAACAGTGAAAGATTTTGGTTTTGTTTCCATATTTTATCTTTACAAATTTGCAT-3'

ClinVar aggregate classification (germline): Uncertain significance (1 of 4 stars; one submission).

gnomAD v4.1: 1 of 1,613,610 alleles (0.000062%); highest among the groups gnomAD compares: African/African-American, 0.0013%; no homozygotes.

Submission:

Labcorp Genetics (formerly Invitae), Labcorp
Classification: Uncertain significance. Last evaluated: 2025-12-23. Review status: criteria provided, single submitter. Criteria: Invitae Variant Classification Sherloc (09022015). Collection method: clinical testing. Allele origin: germline.
Comment: This sequence change creates a premature translational stop signal (p.Glu345*) in the SAMD9L gene. While this is not anticipated to result in nonsense mediated decay, it is expected to disrupt the last 1240 amino acid(s) of the SAMD9L protein. This variant is not present in population databases (gnomAD no frequency). This variant has not been reported in the literature in individuals affected with SAMD9L-related conditions. In summary, the available evidence is currently insufficient to determine the role of this variant in disease. Therefore, it has been classified as a Variant of Uncertain Significance.